The following is an entry in ClinVar:

ClinVar aggregate classification (germline): Pathogenic (1 of 4 stars; one submission).

Conditions:
Lysinuric protein intolerance (LPI). Identifiers: Orphanet 470, MedGen C0268647, MONDO:0009109, OMIM 222700.

Submission:

Labcorp Genetics (formerly Invitae), Labcorp
Classification: Pathogenic for Lysinuric protein intolerance. Last evaluated: 2022-10-28. Review status: criteria provided, single submitter. Criteria: Invitae Variant Classification Sherloc (09022015). Collection method: clinical testing. Allele origin: germline.
Comment: For these reasons, this variant has been classified as Pathogenic. Algorithms developed to predict the effect of sequence changes on RNA splicing suggest that this variant may disrupt the consensus splice site. Disruption of this splice site has been observed in individual(s) with lysinuric protein intolerance (PMID: 10631139). In at least one individual the data is consistent with being in trans (on the opposite chromosome) from a pathogenic variant. This variant is not present in population databases (gnomAD no frequency). This sequence change affects a donor splice site in intron 6 of the SLC7A7 gene. It is expected to disrupt RNA splicing. Variants that disrupt the donor or acceptor splice site typically lead to a loss of protein function (PMID: 16199547), and loss-of-function variants in SLC7A7 are known to be pathogenic (PMID: 10631139, 17764084).

Literature cited by the submitters: PubMed 10631139; PubMed 16199547; PubMed 17764084.

NM_003982.4(SLC7A7):c.894+1G>C

Gene: SLC7A7 (solute carrier family 7 member 7; minus strand). Cytogenetic location: 14q11.2.
Variant type: single nucleotide variant.
Coding change: c.894+1G>C on transcript NM_003982.4 (MANE Select); the canonical splice donor site of the intron after coding-DNA position 894, G replaced by C.
Molecular consequence: splice donor variant.
Genome position (GRCh38, 1-based): chr14:22,776,194, C>G on the plus strand (G>C on the coding strand, the complement: SLC7A7 is on the minus strand). VCF-style: chr14-22776194-C-G. GRCh37 (hg19) VCF-style: chr14-23245403-C-G.
Other names: c.894+1G>C (NM_001126106.4, NM_001126105.3).
Identifiers: ClinVar variation 2126833 (VCV002126833.4), dbSNP rs386833827, ClinGen allele CA388923469.